The following is an entry in ClinVar:

NM_000524.4(HTR1A):c.659G>T (p.Arg220Leu)

Gene: HTR1A (5-hydroxytryptamine receptor 1A; minus strand). Cytogenetic location: 5q12.3.
Variant type: single nucleotide variant.
Coding change: c.659G>T on transcript NM_000524.4 (MANE Select); coding-DNA position 659, G replaced by T.
Protein change: p.Arg220Leu; replaces arginine 220 with leucine.
Molecular consequence: missense variant.
Genome position (GRCh38, 1-based): chr5:63,961,061, C>A on the plus strand (G>T on the coding strand, the complement: HTR1A is on the minus strand). VCF-style: chr5-63961061-C-A. GRCh37 (hg19) VCF-style: chr5-63256888-C-A.
Other names: short protein forms R220L.
Identifiers: ClinVar variation 1315755 (VCV001315755.27), dbSNP rs1800044, ClinGen allele CA3280878.

ClinVar aggregate classification (germline): Benign/Likely benign. Review status: criteria provided, multiple submitters, no conflicts (2 of 4 stars). 3 submissions from 3 submitters: Benign (1); Likely benign (2). Last evaluated 2026-07-06.

Conditions:
HTR1A-related disorder. Also called: HTR1A-related condition.

Allele frequency attached by ClinVar (database versions not stated): 1000 Genomes Project 30x 0.00250; 1000 Genomes Project 0.00280; TOPMed 0.00359; ExAC 0.00361; gnomAD exomes 0.00368; gnomAD 0.00383; ESP Exome Variant Server 0.00400.

Submissions (3):

PreventionGenetics, part of Exact Sciences
Classification: Likely benign for HTR1A-related condition. Last evaluated: 2026-07-06. Review status: criteria provided, single submitter. Criteria: ACMG Guidelines, 2015. Collection method: clinical testing. Allele origin: germline.
Comment: This variant is classified as likely benign based on ACMG/AMP sequence variant interpretation guidelines (Richards et al. 2015 PMID: 25741868, with internal and published modifications).

CeGaT Center for Human Genetics Tuebingen
Classification: Benign. Last evaluated: 2024-05-01. Review status: criteria provided, single submitter. Criteria: CeGaT Center For Human Genetics Tuebingen Variant Classification Criteria Version 2. Collection method: clinical testing. Allele origin: germline. Affected: yes. Observed: 7 variant alleles.
Comment: HTR1A: BS1, BS2

GeneDx
Classification: Likely benign. Last evaluated: 2021-03-21. Review status: criteria provided, single submitter. Criteria: GeneDx Variant Classification Process June 2021. Collection method: clinical testing. Allele origin: germline. Affected: yes.
Comment: In silico analysis supports that this missense variant does not alter protein structure/function; Variants in candidate genes are classified as variants of uncertain significance in accordance with ACMG guidelines (Richards et al., 2015); This variant is associated with the following publications: (PMID: 19105200, 8645269, 20196180, 15864118)